The following is an entry in ClinVar:

ClinVar aggregate classification (germline): Uncertain significance. Review status: criteria provided, multiple submitters, no conflicts (2 of 4 stars). 2 submissions from 2 submitters: Uncertain significance (2). Last evaluated 2023-07-19.

Conditions:
Hajdu-Cheney syndrome (HJCYS). Also called: ACROOSTEOLYSIS WITH OSTEOPOROSIS AND CHANGES IN SKULL AND MANDIBLE; Acroosteolysis dominant type; SERPENTINE FIBULA-POLYCYSTIC KIDNEY SYNDROME. Identifiers: Orphanet 955, MedGen C0917715, MONDO:0007057, OMIM 102500.

Allele frequency attached by ClinVar (database versions not stated): TOPMed below 0.00001; ExAC 0.00001.
gnomAD v4.1: 9 of 1,614,180 alleles (0.00056%); highest among the groups gnomAD compares: Admixed American, 0.013%; no homozygotes.

Submissions (2):

Labcorp Genetics (formerly Invitae), Labcorp
Classification: Uncertain significance for Hajdu-Cheney syndrome. Last evaluated: 2023-07-19. Review status: criteria provided, single submitter. Criteria: Invitae Variant Classification Sherloc (09022015). Collection method: clinical testing. Allele origin: germline.
Comment: This sequence change replaces proline, which is neutral and non-polar, with threonine, which is neutral and polar, at codon 881 of the NOTCH2 protein (p.Pro881Thr). This variant is present in population databases (rs781839140, gnomAD 0.02%). This variant has not been reported in the literature in individuals affected with NOTCH2-related conditions. ClinVar contains an entry for this variant (Variation ID: 2428986). Advanced modeling of protein sequence and biophysical properties (such as structural, functional, and spatial information, amino acid conservation, physicochemical variation, residue mobility, and thermodynamic stability) performed at Invitae indicates that this missense variant is expected to disrupt NOTCH2 protein function. In summary, the available evidence is currently insufficient to determine the role of this variant in disease. Therefore, it has been classified as a Variant of Uncertain Significance.

GeneDx
Classification: Uncertain significance. Last evaluated: 2022-08-03. Review status: criteria provided, single submitter. Criteria: GeneDx Variant Classification Process June 2021. Collection method: clinical testing. Allele origin: germline. Affected: yes.
Comment: In silico analysis supports that this missense variant has a deleterious effect on protein structure/function; Has not been previously published as pathogenic or benign to our knowledge

NM_024408.4(NOTCH2):c.2641C>A (p.Pro881Thr)

Gene: NOTCH2 (notch receptor 2; minus strand). Cytogenetic location: 1p12.
Variant type: single nucleotide variant.
Coding change: c.2641C>A on transcript NM_024408.4 (MANE Select); coding-DNA position 2641, C replaced by A.
Protein change: p.Pro881Thr; replaces proline 881 with threonine.
Molecular consequence: missense variant.
Genome position (GRCh38, 1-based): chr1:119,948,525, G>T on the plus strand (C>A on the coding strand, the complement: NOTCH2 is on the minus strand). VCF-style: chr1-119948525-G-T. GRCh37 (hg19) VCF-style: chr1-120491148-G-T.
Other names: c.2641C>A, p.Pro881Thr (NM_001200001.2); short protein forms P881T.
Identifiers: ClinVar variation 2428986 (VCV002428986.6), dbSNP rs781839140, ClinGen allele CA1040232.
Genomic context (GRCh38, chr1:119,948,525, plus strand): 5'-GTGGACATTCACACATGTAGCTGCCCTGGGTGTTATGGCAGAGACCATGGTTCATGCAGG[G>T]CTTGGAGATACACTCGTCAATGTCAATGGTACACCGCTGACCTAGGAACACAGGGCCAAT-3'
Protein context (NP_077719.2, residues 871-891): TIDIDECISK[Pro881Thr]CMNHGLCHNT